The following is an entry in ClinVar:

ClinVar aggregate classification (germline): Uncertain significance (1 of 4 stars; one submission).

Conditions:
Trichorhinophalangeal dysplasia type I (TRPS1). Also called: TRICHORHINOPHALANGEAL SYNDROME, TYPE I; TRPS I. Identifiers: Orphanet 77258, MedGen C0432233, MONDO:0008596, OMIM 190350.
Trichorhinophalangeal syndrome, type III (TRPS3). Also called: SUGIO-KAJII SYNDROME. Identifiers: Orphanet 77258, MedGen C1860823, OMIM 190351, MONDO:0008597.

Submission:

Labcorp Genetics (formerly Invitae), Labcorp
Classification: Uncertain significance for Trichorhinophalangeal syndrome, type III; Trichorhinophalangeal dysplasia type I. Last evaluated: 2024-08-02. Review status: criteria provided, single submitter. Criteria: Invitae Variant Classification Sherloc (09022015). Collection method: clinical testing. Allele origin: germline.
Comment: This sequence change replaces serine, which is neutral and polar, with threonine, which is neutral and polar, at codon 458 of the TRPS1 protein (p.Ser458Thr). This variant is not present in population databases (gnomAD no frequency). This variant has not been reported in the literature in individuals affected with TRPS1-related conditions. Advanced modeling of protein sequence and biophysical properties (such as structural, functional, and spatial information, amino acid conservation, physicochemical variation, residue mobility, and thermodynamic stability) has been performed at Invitae for this missense variant, however the output from this modeling did not meet the statistical confidence thresholds required to predict the impact of this variant on TRPS1 protein function. In summary, the available evidence is currently insufficient to determine the role of this variant in disease. Therefore, it has been classified as a Variant of Uncertain Significance.

NM_014112.5(TRPS1):c.1372T>A (p.Ser458Thr)

Gene: TRPS1 (transcriptional repressor GATA binding 1; minus strand). Cytogenetic location: 8q23.3.
Variant type: single nucleotide variant.
Coding change: c.1372T>A on transcript NM_014112.5 (MANE Select); coding-DNA position 1372, T replaced by A.
Protein change: p.Ser458Thr; replaces serine 458 with threonine.
Molecular consequence: missense variant.
Genome position (GRCh38, 1-based): chr8:115,604,597, A>T on the plus strand (T>A on the coding strand, the complement: TRPS1 is on the minus strand). VCF-style: chr8-115604597-A-T. GRCh37 (hg19) VCF-style: chr8-116616824-A-T.
Other names: c.1345T>A, p.Ser449Thr (NM_001282902.3); c.1351T>A, p.Ser451Thr (NM_001282903.3); c.1333T>A, p.Ser445Thr (NM_001330599.2); short protein forms S445T, S449T, S451T, S458T.
Identifiers: ClinVar variation 3756425 (VCV003756425.2).